The following is an entry in ClinVar:

NM_005188.4(CBL):c.2417A>C (p.Asp806Ala)

Gene: CBL (Cbl proto-oncogene; plus strand). Cytogenetic location: 11q23.3.
Variant type: single nucleotide variant.
Coding change: c.2417A>C on transcript NM_005188.4 (MANE Select); coding-DNA position 2417, A replaced by C.
Protein change: p.Asp806Ala; replaces aspartic acid 806 with alanine.
Molecular consequence: missense variant.
Genome position (GRCh38, 1-based): chr11:119,298,523, A>C. VCF-style: chr11-119298523-A-C. GRCh37 (hg19) VCF-style: chr11-119169233-A-C.
Other names: short protein forms D806A.
Identifiers: ClinVar variation 3996007 (VCV003996007.1).

ClinVar aggregate classification (germline): Uncertain significance (1 of 4 stars; one submission).

Conditions:
Cardiovascular phenotype. Identifiers: MedGen CN230736.

Submission:

Ambry Genetics
Classification: Uncertain significance for Cardiovascular phenotype. Last evaluated: 2025-04-06. Review status: criteria provided, single submitter. Criteria: Ambry Variant Classification Scheme 2023. Collection method: clinical testing. Allele origin: germline.
Comment: The p.D806A variant (also known as c.2417A>C), located in coding exon 15 of the CBL gene, results from an A to C substitution at nucleotide position 2417. The aspartic acid at codon 806 is replaced by alanine, an amino acid with dissimilar properties. This amino acid position is conserved. In addition, this alteration is predicted to be tolerated by in silico analysis. Based on the available evidence, the clinical significance of this variant remains unclear.